The following is an entry in ClinVar:

NM_001793.6(CDH3):c.2368G>A (p.Ala790Thr)

Gene: CDH3 (cadherin 3; plus strand). Cytogenetic location: 16q22.1.
Variant type: single nucleotide variant.
Coding change: c.2368G>A on transcript NM_001793.6 (MANE Select); coding-DNA position 2368, G replaced by A.
Protein change: p.Ala790Thr; replaces alanine 790 with threonine.
Molecular consequence: missense variant. On other transcripts: 3 prime UTR variant (1).
Genome position (GRCh38, 1-based): chr16:68,698,278, G>A. VCF-style: chr16-68698278-G-A. GRCh37 (hg19) VCF-style: chr16-68732181-G-A.
Other names: c.*111G>A (NM_001317195.3); c.2203G>A, p.Ala735Thr (NM_001317196.2); short protein forms A735T, A790T.
Identifiers: ClinVar variation 4699473 (VCV004699473.1).
Genomic context (GRCh38, chr16:68,698,278, plus strand): 5'-ACAGCCCCGCCCTACGACACCCTCTTGGTGTTCGACTATGAGGGCAGCGGCTCCGACGCC[G>A]CGTCCCTGAGCTCCCTCACCTCCTCCGCCTCCGACCAAGACCAAGATTACGATTATCTGA-3'
Protein context (NP_001784.2, residues 780-800): FDYEGSGSDA[Ala790Thr]SLSSLTSSAS

ClinVar aggregate classification (germline): Uncertain significance (1 of 4 stars; one submission).

gnomAD v4.1: 66 of 1,614,212 alleles (0.0041%); highest among the groups gnomAD compares: South Asian, 0.063%; no homozygotes.

Submission:

Labcorp Genetics (formerly Invitae), Labcorp
Classification: Uncertain significance. Last evaluated: 2025-04-30. Review status: criteria provided, single submitter. Criteria: Invitae Variant Classification Sherloc (09022015). Collection method: clinical testing. Allele origin: germline.
Comment: This sequence change replaces alanine, which is neutral and non-polar, with threonine, which is neutral and polar, at codon 790 of the CDH3 protein (p.Ala790Thr). This variant is present in population databases (rs773908098, gnomAD 0.09%). This variant has not been reported in the literature in individuals affected with CDH3-related conditions. Invitae Evidence Modeling of protein sequence and biophysical properties (such as structural, functional, and spatial information, amino acid conservation, physicochemical variation, residue mobility, and thermodynamic stability) indicates that this missense variant is not expected to disrupt CDH3 protein function with a negative predictive value of 80%. In summary, the available evidence is currently insufficient to determine the role of this variant in disease. Therefore, it has been classified as a Variant of Uncertain Significance.